The following is an entry in ClinVar:

NM_001082971.2(DDC):c.944+1G>A

Gene: DDC (dopa decarboxylase; minus strand). Cytogenetic location: 7p12.2.
Variant type: single nucleotide variant.
Coding change: c.944+1G>A on transcript NM_001082971.2 (MANE Select); the canonical splice donor site of the intron after coding-DNA position 944, G replaced by A.
Molecular consequence: splice donor variant.
Genome position (GRCh38, 1-based): chr7:50,495,349, C>T on the plus strand (G>A on the coding strand, the complement: DDC is on the minus strand). VCF-style: chr7-50495349-C-T. GRCh37 (hg19) VCF-style: chr7-50563047-C-T.
Other names: c.710+1G>A (NM_001242888.2); c.830+1G>A (NM_001242886.2); c.665+1G>A (NM_001242889.2); c.800+1G>A (NM_001242887.2); c.944+1G>A (NM_000790.4, NM_001242890.2).
Identifiers: ClinVar variation 3778390 (VCV003778390.7).

ClinVar aggregate classification (germline): Pathogenic (1 of 4 stars; one submission).

Submission:

CeGaT Center for Human Genetics Tuebingen
Classification: Pathogenic. Last evaluated: 2025-03-01. Review status: criteria provided, single submitter. Criteria: CeGaT Center For Human Genetics Tuebingen Variant Classification Criteria Version 2. Collection method: clinical testing. Allele origin: germline. Affected: yes. Observed: 1 variant allele.
Comment: DDC: PVS1, PM2